The following is an entry in ClinVar:

NM_005762.3(TRIM28):c.1571G>A (p.Arg524His)

Gene: TRIM28 (tripartite motif containing 28; plus strand). Cytogenetic location: 19q13.43.
Variant type: single nucleotide variant.
Coding change: c.1571G>A on transcript NM_005762.3 (MANE Select); coding-DNA position 1571, G replaced by A.
Protein change: p.Arg524His; replaces arginine 524 with histidine.
Molecular consequence: missense variant.
Genome position (GRCh38, 1-based): chr19:58,549,149, G>A. VCF-style: chr19-58549149-G-A. GRCh37 (hg19) VCF-style: chr19-59060516-G-A.
Other names: short protein forms R524H.
Identifiers: ClinVar variation 3646919 (VCV003646919.2).

ClinVar aggregate classification (germline): Uncertain significance (1 of 4 stars; one submission).

gnomAD v4.1: 3 of 1,614,080 alleles (0.00019%); highest among the groups gnomAD compares: Non-Finnish European, 0.00025%; no homozygotes.

Submission:

Labcorp Genetics (formerly Invitae), Labcorp
Classification: Uncertain significance. Last evaluated: 2024-03-20. Review status: criteria provided, single submitter. Criteria: Invitae Variant Classification Sherloc (09022015). Collection method: clinical testing. Allele origin: germline.
Comment: This sequence change replaces arginine, which is basic and polar, with histidine, which is basic and polar, at codon 524 of the TRIM28 protein (p.Arg524His). This variant is present in population databases (no rsID available, gnomAD 0.0009%). This variant has not been reported in the literature in individuals affected with TRIM28-related conditions. Experimental studies and prediction algorithms are not available or were not evaluated, and the functional significance of this variant is currently unknown. In summary, the available evidence is currently insufficient to determine the role of this variant in disease. Therefore, it has been classified as a Variant of Uncertain Significance.